The following is an entry in ClinVar:

NM_001110556.2(FLNA):c.7351G>A (p.Val2451Ile)

Gene: FLNA (filamin A; minus strand). Cytogenetic location: Xq28.
Variant type: single nucleotide variant.
Coding change: c.7351G>A on transcript NM_001110556.2 (MANE Select); coding-DNA position 7351, G replaced by A.
Protein change: p.Val2451Ile; replaces valine 2451 with isoleucine.
Molecular consequence: missense variant.
Genome position (GRCh38, 1-based): chrX:154,349,850, C>T on the plus strand (G>A on the coding strand, the complement: FLNA is on the minus strand). VCF-style: chrX-154349850-C-T. GRCh37 (hg19) VCF-style: chrX-153578218-C-T.
Other names: c.7327G>A, p.Val2443Ile (NM_001456.4); short protein forms V2443I, V2451I.
Identifiers: ClinVar variation 1476235 (VCV001476235.6), dbSNP rs782613404, ClinGen allele CA415183067.

ClinVar aggregate classification (germline): Uncertain significance (1 of 4 stars; one submission).

Conditions:
Oto-palato-digital syndrome, type II (OPD2). Also called: FACIOPALATOOSSEOUS SYNDROME; OPD II SYNDROME; Otopalatodigital Syndrome, Type II; Otopalatodigital Syndrome Type 2 (FLNA-OPD2). Identifiers: Orphanet 669, Orphanet 90652, MedGen C1844696, MONDO:0010571, OMIM 304120.
Heterotopia, periventricular, X-linked dominant (PVNH1). Also called: PERIVENTRICULAR NODULAR HETEROTOPIA 4; HETEROTOPIA, PERIVENTRICULAR, 1; PERIVENTRICULAR NODULAR HETEROTOPIA 1; X-linked periventricular heterotopia. Identifiers: Orphanet 2149, Orphanet 82004, MedGen C1848213, MONDO:0010233, OMIM 300049.
Melnick-Needles syndrome (MNS). Also called: MELNICK-NEEDLES OSTEODYSPLASTY; OSTEODYSPLASTY OF MELNICK AND NEEDLES; Melnick-Needles Syndrome (FLNA-MNS). Identifiers: Orphanet 2484, MedGen C0025237, MONDO:0010650, OMIM 309350.
Frontometaphyseal dysplasia (FMD1). Identifiers: Orphanet 1826, MedGen C0265293, MONDO:0015942.

Allele frequency attached by ClinVar (database versions not stated): gnomAD exomes 0.00001.
gnomAD v4.1: 9 of 1,210,932 alleles (0.00074%); highest among the groups gnomAD compares: Non-Finnish European, 0.001%; no homozygotes.

Submission:

Labcorp Genetics (formerly Invitae), Labcorp
Classification: Uncertain significance for Oto-palato-digital syndrome, type II; Heterotopia, periventricular, X-linked dominant; Frontometaphyseal dysplasia; Melnick-Needles syndrome. Last evaluated: 2024-03-12. Review status: criteria provided, single submitter. Criteria: Invitae Variant Classification Sherloc (09022015). Collection method: clinical testing. Allele origin: germline.
Comment: This sequence change replaces valine, which is neutral and non-polar, with isoleucine, which is neutral and non-polar, at codon 2443 of the FLNA protein (p.Val2443Ile). This variant is not present in population databases (gnomAD no frequency). This variant has not been reported in the literature in individuals affected with FLNA-related conditions. ClinVar contains an entry for this variant (Variation ID: 1476235). Advanced modeling of protein sequence and biophysical properties (such as structural, functional, and spatial information, amino acid conservation, physicochemical variation, residue mobility, and thermodynamic stability) performed at Invitae indicates that this missense variant is not expected to disrupt FLNA protein function with a negative predictive value of 95%. In summary, the available evidence is currently insufficient to determine the role of this variant in disease. Therefore, it has been classified as a Variant of Uncertain Significance.